The following is an entry in ClinVar:

NM_004364.5(CEBPA):c.742G>T (p.Gly248Cys)

Gene: CEBPA (CCAAT enhancer binding protein alpha; minus strand). Cytogenetic location: 19q13.11.
Variant type: single nucleotide variant.
Coding change: c.742G>T on transcript NM_004364.5 (MANE Select); coding-DNA position 742, G replaced by T.
Protein change: p.Gly248Cys; replaces glycine 248 with cysteine.
Molecular consequence: missense variant.
Genome position (GRCh38, 1-based): chr19:33,301,673, C>A on the plus strand (G>T on the coding strand, the complement: CEBPA is on the minus strand). VCF-style: chr19-33301673-C-A. GRCh37 (hg19) VCF-style: chr19-33792579-C-A.
Other names: c.385G>T, p.Gly129Cys (NM_001285829.2); c.847G>T, p.Gly283Cys (NM_001287424.2); c.700G>T, p.Gly234Cys (NM_001287435.2); short protein forms G248C, G129C, G283C, G234C.
Identifiers: ClinVar variation 3999975 (VCV003999975.1).
Genomic context (GRCh38, chr19:33,301,673, plus strand): 5'-CGCCACTCGCGCGGAGGTCGGGGTGCGCGGCGCCCAGCCCCTTGAGCGCGCTGCCAGGGC[C>A]CGGCAGGCCGGCGGCACCGAGCGCGGGCGCGGGGTGCGGGCTGGGCACGGGCGTGGGCGG-3'
Protein context (NP_004355.2, residues 238-258): APALGAAGLP[Gly248Cys]PGSALKGLGA

ClinVar aggregate classification (germline): Uncertain significance (1 of 4 stars; one submission).

Conditions:
Inborn genetic diseases. Identifiers: MedGen C0950123, MeSH D030342.

Submission:

Ambry Genetics
Classification: Uncertain significance for Inborn genetic diseases. Last evaluated: 2025-03-20. Review status: criteria provided, single submitter. Criteria: Ambry Variant Classification Scheme 2023. Collection method: clinical testing. Allele origin: germline.
Comment: The p.G248C variant (also known as c.742G>T), located in coding exon 1 of the CEBPA gene, results from a G to T substitution at nucleotide position 742. The glycine at codon 248 is replaced by cysteine, an amino acid with highly dissimilar properties. This amino acid position is conserved. In addition, this alteration is predicted to be tolerated by in silico analysis. Based on the available evidence, the clinical significance of this variant remains unclear.